The following is an entry in ClinVar:

ClinVar aggregate classification (germline): Pathogenic/Likely pathogenic. Review status: criteria provided, multiple submitters, no conflicts (2 of 4 stars). 3 submissions from 3 submitters: Pathogenic (1); Likely pathogenic (2). Last evaluated 2026-01-05.

Conditions:
Multiple congenital anomalies-hypotonia-seizures syndrome 3 (MCAHS3). Also called: GLYCOSYLPHOSPHATIDYLINOSITOL BIOSYNTHESIS DEFECT 7. Identifiers: Orphanet 369837, MedGen C3809356, MONDO:0014165, OMIM 615398.

Allele frequency attached by ClinVar (database versions not stated): TOPMed 0.00001; gnomAD 0.00002.
gnomAD v4.1: 8 of 1,613,454 alleles (0.0005%); highest among the groups gnomAD compares: Non-Finnish European, 0.00068%; no homozygotes.

Submissions (3):

Labcorp Genetics (formerly Invitae), Labcorp
Classification: Likely pathogenic for Multiple congenital anomalies-hypotonia-seizures syndrome 3. Last evaluated: 2026-01-05. Review status: criteria provided, single submitter. Criteria: Invitae Variant Classification Sherloc (09022015). Collection method: clinical testing. Allele origin: germline.
Comment: This sequence change affects an acceptor splice site in intron 1 of the PIGT gene. It is expected to disrupt RNA splicing. Variants that disrupt the donor or acceptor splice site typically lead to a loss of protein function (PMID: 16199547), and loss-of-function variants in PIGT are known to be pathogenic (PMID: 24906948, 25943031). This variant is present in population databases (rs771691280, gnomAD 0.003%). This variant has not been reported in the literature in individuals affected with PIGT-related conditions. ClinVar contains an entry for this variant (Variation ID: 420919). Algorithms developed to predict the effect of sequence changes on RNA splicing suggest that this variant may disrupt the consensus splice site. In summary, the currently available evidence indicates that the variant is pathogenic, but additional data are needed to prove that conclusively. Therefore, this variant has been classified as Likely Pathogenic.

GeneDx
Classification: Likely pathogenic. Last evaluated: 2022-12-23. Review status: criteria provided, single submitter. Criteria: GeneDx Variant Classification Process June 2021. Collection method: clinical testing. Allele origin: germline. Affected: yes.
Comment: Canonical splice site variant predicted to result in a null allele in a gene for which loss-of-function is a known mechanism of disease; Not observed at significant frequency in large population cohorts (gnomAD); Has not been previously published as pathogenic or benign to our knowledge

Institute for Clinical Genetics, University Hospital TU Dresden, University Hospital TU Dresden
Classification: Pathogenic. Last evaluated: 2021-11-03. Review status: criteria provided, single submitter. Criteria: ACMG Guidelines, 2015. Collection method: clinical testing. Allele origin: germline.

Literature cited by the submitters: PubMed 16199547 (cited by Labcorp Genetics (formerly Invitae), Labcorp); PubMed 24906948 (cited by Labcorp Genetics (formerly Invitae), Labcorp); PubMed 25943031 (cited by Labcorp Genetics (formerly Invitae), Labcorp).

NM_015937.6(PIGT):c.188-2A>G

Gene: PIGT (phosphatidylinositol glycan anchor biosynthesis class T; plus strand). Cytogenetic location: 20q13.12.
Variant type: single nucleotide variant.
Coding change: c.188-2A>G on transcript NM_015937.6 (MANE Select); the canonical splice acceptor site of the intron before coding-DNA position 188, A replaced by G.
Molecular consequence: splice acceptor variant. On other transcripts: intron variant (1).
Genome position (GRCh38, 1-based): chr20:45,416,515, A>G. VCF-style: chr20-45416515-A-G. GRCh37 (hg19) VCF-style: chr20-44045155-A-G.
Other names: c.188-2A>G (NM_001184729.3, NM_001184728.3); c.187+172A>G (NM_001184730.3).
Identifiers: ClinVar variation 420919 (VCV000420919.12), dbSNP rs771691280, ClinGen allele CA9877821.
Genomic context (GRCh38, chr20:45,416,515, plus strand): 5'-GGATCCTGGGTGTGGACCCCGACGAGGTGGGGATCGTCACTCACCTGCTCCCGTTTCCCC[A>G]GTGTCCCATTACAGGCTCTTTCCCAAAGCCCTGGGGCAGCTGATCTCCAAGTATTCTCTA-3'